The following is an entry in ClinVar:

NM_001792.5(CDH2):c.38_58dup (p.Pro13_Leu19dup)

Gene: CDH2 (cadherin 2; minus strand). Cytogenetic location: 18q12.1.
Variant type: Duplication.
Coding change: c.38_58dup on transcript NM_001792.5 (MANE Select); coding-DNA positions 38 to 58, 21 bases duplicated (CGCTGCTGGCGGCCCTGCTTC).
Protein change: p.Pro13_Leu19dup.
Molecular consequence: inframe insertion.
Genome position (GRCh38, 1-based): chr18:28,176,965-28,176,985, GAAGCAGGGCCGCCAGCAGCG duplicated on the plus strand (CGCTGCTGGCGGCCCTGCTTC on the coding strand, the reverse complement: CDH2 is on the minus strand); duplicating any 21 consecutive bases within chr18:28,176,965-28,176,986 gives the same sequence; the c. name uses the placement nearest the transcript's 3' end. VCF-style (leftmost placement, unchanged base first): chr18-28176964-T-TGAAGCAGGGCCGCCAGCAGCG. GRCh37 (hg19) VCF-style: chr18-25756928-T-TGAAGCAGGGCCGCCAGCAGCG.
Identifiers: ClinVar variation 1350767 (VCV001350767.8), dbSNP rs1347530447, ClinGen allele CA628925523.

ClinVar aggregate classification (germline): Uncertain significance (1 of 4 stars; one submission).

Submission:

Labcorp Genetics (formerly Invitae), Labcorp
Classification: Uncertain significance. Last evaluated: 2021-05-03. Review status: criteria provided, single submitter. Criteria: Invitae Variant Classification Sherloc (09022015). Collection method: clinical testing. Allele origin: germline.
Comment: In summary, the available evidence is currently insufficient to determine the role of this variant in disease. Therefore, it has been classified as a Variant of Uncertain Significance. Experimental studies and prediction algorithms are not available or were not evaluated, and the functional significance of this variant is currently unknown. This variant has not been reported in the literature in individuals with CDH2-related conditions. The frequency data for this variant in the population databases is considered unreliable, as metrics indicate insufficient coverage at this position in the ExAC database. This variant, c.38_58dup, results in the insertion of 7 amino acid(s) to the CDH2 protein (p.Pro13_Leu19dup), but otherwise preserves the integrity of the reading frame.